The following is an entry in ClinVar:

ClinVar aggregate classification (germline): Uncertain significance (0 of 4 stars; one submission).

Conditions:
Prostate cancer. Also called: Malignant tumor of prostate. Identifiers: Orphanet 1331, MedGen C0376358, MONDO:0008315, HP:0012125.

Allele frequency attached by ClinVar (database versions not stated): ExAC 0.00002; gnomAD exomes 0.00002; TOPMed 0.00001.
gnomAD v4.1: 23 of 1,208,931 alleles (0.0019%); highest among the groups gnomAD compares: East Asian, 0.0089%; no homozygotes.

Submission:

Science for Life laboratory,  Karolinska Institutet
Classification: Uncertain significance for Malignant tumor of prostate. Review status: no assertion criteria provided. Collection method: not provided. Allele origin: somatic.
Comment: TumorID:SWE-9
ClinVar note: Converted during submission from Unknown to Uncertain significance.

NM_014289.4(CAPN6):c.1757G>A (p.Arg586Gln)

Genes: CAPN6 (calpain 6; minus strand), LOC126863302 (CDK7 strongly-dependent group 2 enhancer GRCh37_chrX:110489468-110490667; plus strand). Cytogenetic location: Xq23.
Variant type: single nucleotide variant.
Coding change: c.1757G>A on transcript NM_014289.4 (MANE Select); coding-DNA position 1757, G replaced by A.
Protein change: p.Arg586Gln; replaces arginine 586 with glutamine.
Molecular consequence: missense variant.
Genome position (GRCh38, 1-based): chrX:111,246,746, C>T on the plus strand (G>A on the coding strand, the complement: CAPN6 is on the minus strand). VCF-style: chrX-111246746-C-T. GRCh37 (hg19) VCF-style: chrX-110489974-C-T.
Other names: short protein forms R586Q.
Identifiers: ClinVar variation 161673 (VCV000161673.2), dbSNP rs193921059, ClinGen allele CA174574.